The following is an entry in ClinVar:

NM_000093.5(COL5A1):c.4609-279_4609-278insCCC

Genes: COL5A1 (collagen type V alpha 1 chain; plus strand), LOC101448202 (uncharacterized LOC101448202; minus strand). Cytogenetic location: 9q34.3.
Variant type: Insertion.
Coding change: c.4609-279_4609-278insCCC on transcript NM_000093.5 (MANE Select); 279 bases into the intron before coding-DNA position 4609 through 278 bases into the intron before coding-DNA position 4609, CCC inserted.
Molecular consequence: intron variant.
Genome position: GRCh38 VCF-style: chr9-134822718-G-GCCC. GRCh37 (hg19) VCF-style: chr9-137714564-G-GCCC.
Other names: c.4609-279_4609-278insCCC (NM_001278074.1).
Identifiers: ClinVar variation 673548 (VCV000673548.1), dbSNP rs370666409, ClinGen allele CA591112132.

ClinVar aggregate classification (germline): Likely benign (1 of 4 stars; one submission).

Submission:

GeneDx
Classification: Likely benign. Last evaluated: 2018-06-16. Review status: criteria provided, single submitter. Criteria: GeneDx Variant Classification (06012015). Collection method: clinical testing. Allele origin: germline. Affected: yes.
Comment: This variant is considered likely benign or benign based on one or more of the following criteria: it is a conservative change, it occurs at a poorly conserved position in the protein, it is predicted to be benign by multiple in silico algorithms, and/or has population frequency not consistent with disease.